The following is an entry in ClinVar:

NM_003200.5(TCF3):c.616C>T (p.Pro206Ser)

Gene: TCF3 (transcription factor 3; minus strand). Cytogenetic location: 19p13.3.
Variant type: single nucleotide variant.
Coding change: c.616C>T on transcript NM_003200.5 (MANE Select); coding-DNA position 616, C replaced by T.
Protein change: p.Pro206Ser; replaces proline 206 with serine.
Molecular consequence: missense variant.
Genome position (GRCh38, 1-based): chr19:1,622,349, G>A on the plus strand (C>T on the coding strand, the complement: TCF3 is on the minus strand). VCF-style: chr19-1622349-G-A. GRCh37 (hg19) VCF-style: chr19-1622348-G-A.
Other names: c.616C>T, p.Pro206Ser (NM_001136139.4, NM_001351778.2, NM_001351779.2); short protein forms P206S.
Identifiers: ClinVar variation 3630394 (VCV003630394.2).
Genomic context (GRCh38, chr19:1,622,349, plus strand): 5'-GCGAGCCCCCGCCCTGCCATGTACCTGCCACGTAGAAGGGGGCGGGATAGGTGCTGCTGG[G>A]GGTCTTGGCGGACGGGTAGGCGGTGGCATCCCTGCCGTAGTCCTCACCTGAGCTGGGTGG-3'
Protein context (NP_003191.1, residues 196-216): DATAYPSAKT[Pro206Ser]SSTYPAPFYV

ClinVar aggregate classification (germline): Uncertain significance (1 of 4 stars; one submission).

Submission:

Labcorp Genetics (formerly Invitae), Labcorp
Classification: Uncertain significance. Last evaluated: 2025-02-19. Review status: criteria provided, single submitter. Criteria: Invitae Variant Classification Sherloc (09022015). Collection method: clinical testing. Allele origin: germline.
Comment: This sequence change replaces proline, which is neutral and non-polar, with serine, which is neutral and polar, at codon 206 of the TCF3 protein (p.Pro206Ser). This variant is not present in population databases (gnomAD no frequency). This variant has not been reported in the literature in individuals affected with TCF3-related conditions. Invitae Evidence Modeling of protein sequence and biophysical properties (such as structural, functional, and spatial information, amino acid conservation, physicochemical variation, residue mobility, and thermodynamic stability) indicates that this missense variant is not expected to disrupt TCF3 protein function with a negative predictive value of 80%. In summary, the available evidence is currently insufficient to determine the role of this variant in disease. Therefore, it has been classified as a Variant of Uncertain Significance.